The following is an entry in ClinVar:

NM_005618.4(DLL1):c.1881C>T (p.Ala627=)

Gene: DLL1 (delta like canonical Notch ligand 1; minus strand). Cytogenetic location: 6q27.
Variant type: single nucleotide variant.
Coding change: c.1881C>T on transcript NM_005618.4 (MANE Select); coding-DNA position 1881, C replaced by T.
Protein change: p.Ala627=; no amino-acid change (alanine 627 retained).
Molecular consequence: synonymous variant.
Genome position (GRCh38, 1-based): chr6:170,283,398, G>A on the plus strand (C>T on the coding strand, the complement: DLL1 is on the minus strand). VCF-style: chr6-170283398-G-A. GRCh37 (hg19) VCF-style: chr6-170592486-G-A.
Identifiers: ClinVar variation 738806 (VCV000738806.39), dbSNP rs201096307, ClinGen allele CA4106695.

ClinVar aggregate classification (germline): Likely benign. Review status: criteria provided, multiple submitters, no conflicts (2 of 4 stars). 6 submissions from 6 submitters: Likely benign (5). 1 of the submissions does not count toward it. Last evaluated 2025-12-03.

Conditions:
DLL1-related disorder. Also called: DLL1-related condition.
Inborn genetic diseases. Identifiers: MedGen C0950123, MeSH D030342.

Allele frequency attached by ClinVar (database versions not stated): ExAC 0.00005; gnomAD 0.00007; gnomAD exomes 0.00007 and 0.00008; ESP Exome Variant Server 0.00008; TOPMed 0.00011.
gnomAD v4.1: 105 of 1,610,182 alleles (0.0065%); highest among the groups gnomAD compares: East Asian, 0.011%; no homozygotes.

Submissions (6):

Labcorp Genetics (formerly Invitae), Labcorp
Classification: Likely benign. Last evaluated: 2025-12-03. Review status: criteria provided, single submitter. Criteria: Invitae Variant Classification Sherloc (09022015). Collection method: clinical testing. Allele origin: germline.

Ambry Genetics
Classification: Likely benign for Inborn genetic diseases. Last evaluated: 2024-08-04. Review status: criteria provided, single submitter. Criteria: Ambry Variant Classification Scheme 2023. Collection method: clinical testing. Allele origin: germline.

Blueprint Genetics
Classification: Likely benign. Last evaluated: 2024-06-06. Review status: criteria provided, single submitter. Criteria: ACMG Guidelines, 2015. Collection method: clinical testing. Allele origin: germline.

CeGaT Center for Human Genetics Tuebingen
Classification: Likely benign. Last evaluated: 2024-04-01. Review status: criteria provided, single submitter. Criteria: CeGaT Center For Human Genetics Tuebingen Variant Classification Criteria Version 2. Collection method: clinical testing. Allele origin: germline. Affected: yes. Observed: 2 variant alleles.
Comment: DLL1: BP4, BP7

Breakthrough Genomics
Classification: Likely benign. Review status: criteria provided, single submitter. Criteria: ACMG Guidelines, 2015. Collection method: not provided. Allele origin: germline. Inheritance: Autosomal dominant inheritance. Affected: yes.

PreventionGenetics, part of Exact Sciences
Classification: Likely benign for DLL1-related condition. Last evaluated: 2022-05-02. Review status: no assertion criteria provided. Collection method: clinical testing. Allele origin: germline. Not counted in ClinVar's aggregate classification.
Comment: This variant is classified as likely benign based on ACMG/AMP sequence variant interpretation guidelines (Richards et al. 2015 PMID: 25741868, with internal and published modifications).